The following is an entry in ClinVar:

NM_001128840.3(CACNA1D):c.1469G>T (p.Gly490Val)

Gene: CACNA1D (calcium voltage-gated channel subunit alpha1 D; plus strand). Cytogenetic location: 3p21.1.
Variant type: single nucleotide variant.
Coding change: c.1469G>T on transcript NM_001128840.3 (MANE Select); coding-DNA position 1469, G replaced by T.
Protein change: p.Gly490Val; replaces glycine 490 with valine.
Molecular consequence: missense variant.
Genome position (GRCh38, 1-based): chr3:53,718,379, G>T. VCF-style: chr3-53718379-G-T. GRCh37 (hg19) VCF-style: chr3-53752406-G-T.
Other names: c.1469G>T, p.Gly490Val (NM_000720.4, NM_001128839.3); short protein forms G490V.
Identifiers: ClinVar variation 4745862 (VCV004745862.1).

ClinVar aggregate classification (germline): Uncertain significance (1 of 4 stars; one submission).

gnomAD v4.1: 1 of 1,613,986 alleles (0.000062%); highest among the groups gnomAD compares: Middle Eastern, 0.016%; no homozygotes.

Submission:

Labcorp Genetics (formerly Invitae), Labcorp
Classification: Uncertain significance. Last evaluated: 2025-08-06. Review status: criteria provided, single submitter. Criteria: Invitae Variant Classification Sherloc (09022015). Collection method: clinical testing. Allele origin: germline.
Comment: This sequence change replaces glycine, which is neutral and non-polar, with valine, which is neutral and non-polar, at codon 490 of the CACNA1D protein (p.Gly490Val). This variant is not present in population databases (gnomAD no frequency). This variant has not been reported in the literature in individuals affected with CACNA1D-related conditions. Invitae Evidence Modeling of protein sequence and biophysical properties (such as structural, functional, and spatial information, amino acid conservation, physicochemical variation, residue mobility, and thermodynamic stability) indicates that this missense variant is not expected to disrupt CACNA1D protein function with a negative predictive value of 80%. Algorithms developed to predict the effect of sequence changes on RNA splicing suggest that this variant may create or strengthen a splice site. In summary, the available evidence is currently insufficient to determine the role of this variant in disease. Therefore, it has been classified as a Variant of Uncertain Significance.